The following is an entry in ClinVar:

ClinVar aggregate classification (germline): Benign. Review status: criteria provided, multiple submitters, no conflicts (2 of 4 stars). 5 submissions from 5 submitters: Benign (4). 1 of the submissions does not count toward it. Last evaluated 2026-02-04.

Conditions:
Myoclonic dystonia 26. Identifiers: MedGen C4225341, MONDO:0014620, OMIM 616398.
KCTD17-related disorder. Also called: KCTD17-related condition.

Allele frequency attached by ClinVar (database versions not stated): 1000 Genomes Project 0.02117; 1000 Genomes Project 30x 0.02202; TOPMed 0.03508; gnomAD 0.03603 and 0.03645; gnomAD exomes 0.03712; ESP Exome Variant Server 0.03952; ExAC 0.04017.

Submissions (5):

Labcorp Genetics (formerly Invitae), Labcorp
Classification: Benign for Myoclonic dystonia 26. Last evaluated: 2026-02-04. Review status: criteria provided, single submitter. Criteria: Invitae Variant Classification Sherloc (09022015). Collection method: clinical testing. Allele origin: germline.

Genome-Nilou Lab
Classification: Benign for Myoclonic dystonia 26. Last evaluated: 2021-08-19. Review status: criteria provided, single submitter. Criteria: ACMG Guidelines, 2015. Collection method: clinical testing. Allele origin: germline. Affected: no.

GeneDx
Classification: Benign. Last evaluated: 2021-04-08. Review status: criteria provided, single submitter. Criteria: GeneDx Variant Classification Process June 2021. Collection method: clinical testing. Allele origin: germline. Affected: yes.

Breakthrough Genomics
Classification: Benign. Review status: criteria provided, single submitter. Criteria: ACMG Guidelines, 2015. Collection method: not provided. Allele origin: germline. Inheritance: Autosomal dominant inheritance. Affected: yes.

PreventionGenetics, part of Exact Sciences
Classification: Benign for KCTD17-related condition. Last evaluated: 2019-10-21. Review status: no assertion criteria provided. Collection method: clinical testing. Allele origin: germline. Not counted in ClinVar's aggregate classification.
Comment: This variant is classified as benign based on ACMG/AMP sequence variant interpretation guidelines (Richards et al. 2015 PMID: 25741868, with internal and published modifications).

NM_001282684.2(KCTD17):c.897C>T (p.Pro299=)

Gene: KCTD17 (potassium channel tetramerization domain containing 17; plus strand). Cytogenetic location: 22q12.3.
Variant type: single nucleotide variant.
Coding change: c.897C>T on transcript NM_001282684.2 (MANE Select); coding-DNA position 897, C replaced by T.
Protein change: p.Pro299=; no amino-acid change (proline 299 retained).
Molecular consequence: synonymous variant. On other transcripts: 3 prime UTR variant (1), missense variant (1).
Genome position (GRCh38, 1-based): chr22:37,062,546, C>T. VCF-style: chr22-37062546-C-T. GRCh37 (hg19) VCF-style: chr22-37458586-C-T.
Other names: c.*68C>T (NM_001282685.2); c.634C>T, p.Arg212Trp (NM_001282686.2); c.825C>T, p.Pro275= (NM_024681.4); c.655C>T (NM_001282686.1); short protein forms R212W.
Identifiers: ClinVar variation 476040 (VCV000476040.19), dbSNP rs116956945, ClinGen allele CA10215202.
Genomic context (GRCh38, chr22:37,062,546, plus strand): 5'-CCCTCCCATCCTCCTGCCCTTCCCCTCTTTTTTTTCTAGCTGTTACAAGCCAGAGGCACC[C>T]GGATGTGAGGCCCCAGATCACCTCCAGGGACTTGGGGTTCCCATCTGAAATCCTTTATTT-3'
Protein context (NP_001269613.2, residues 289-309): CHPCCYKPEA[Pro299=]GCEAPDHLQG